The following continues an entry in ClinVar:

NM_003476.5(CSRP3):c.131T>C (p.Leu44Pro)

Gene: CSRP3. ClinVar aggregate classification (germline): Conflicting classifications of pathogenicity. Pathogenic (1); Likely pathogenic (6); Uncertain significance (4).

Submissions 11 to 17 of 17:

Laboratory for Molecular Medicine, Mass General Brigham Personalized Medicine
Classification: Uncertain significance. Last evaluated: 2012-08-14. Review status: criteria provided, single submitter. Criteria: LMM Criteria. Collection method: clinical testing. Allele origin: germline. Observed: 1 variant allele.
Comment: Variant classified as Uncertain Significance - Favor Pathogenic. The Leu44Pro va riant in CSRP3 has been identified in 1 individual with HCM, was absent from 100 0 control chromosomes and segregated with disease in 2 definitively and 1 possib ly affected relatives as well as one obligate carrier with unknown disease statu s (Geier 2003; Geier 2008). This variant was absent from two large and broad Eu ropean and African American populations screened by the NHLBI Exome Sequencing P roject (dbSNP rs104894205). The affected amino acid is highly conserved in evolution, suggesting that a change would impact th e protein. Other computational analyses (biochemical amino acid properties, Alig nGVGD, PolyPhen2, and SIFT) also suggest that the Leu44Pro variant may impact th e protein, though this information is not predictive enough to determine pathoge nicity. In summary, this data supports that the Leu44Pro variant may be pathoge nic but is insufficient to establish this with certainty.

Bioscientia Institut fuer Medizinische Diagnostik GmbH, Sonic Healthcare
Classification: Likely pathogenic for Hypertrophic cardiomyopathy 12. Last evaluated: 2019-06-25. Review status: no assertion criteria provided. Collection method: clinical testing. Allele origin: germline. Affected: yes. Not counted in ClinVar's aggregate classification.

OMIM
Classification: Pathogenic for CARDIOMYOPATHY, FAMILIAL HYPERTROPHIC, 12. Last evaluated: 2003-03-18. Review status: no assertion criteria provided. Collection method: literature only. Allele origin: germline. Not counted in ClinVar's aggregate classification.

Clinical Genetics DNA and cytogenetics Diagnostics Lab, Erasmus MC, Erasmus Medical Center
Classification: Likely pathogenic. Review status: no assertion criteria provided. Collection method: clinical testing. Allele origin: germline. Affected: yes. Study: VKGL Data-share Consensus. Not counted in ClinVar's aggregate classification.

Diagnostic Laboratory, Department of Genetics, University Medical Center Groningen
Classification: Likely pathogenic. Review status: no assertion criteria provided. Collection method: clinical testing. Allele origin: germline. Affected: yes. Study: VKGL Data-share Consensus. Not counted in ClinVar's aggregate classification.

Genome Diagnostics Laboratory, University Medical Center Utrecht
Classification: Likely pathogenic. Review status: no assertion criteria provided. Collection method: clinical testing. Allele origin: germline. Affected: yes. Study: VKGL Data-share Consensus. Not counted in ClinVar's aggregate classification.

Joint Genome Diagnostic Labs from Nijmegen and Maastricht, Radboudumc and MUMC+
Classification: Likely pathogenic. Review status: no assertion criteria provided. Collection method: clinical testing. Allele origin: germline. Affected: yes. Study: VKGL Data-share Consensus. Not counted in ClinVar's aggregate classification.

Literature cited by the submitters: PubMed 12642359 (cited by 5 submitters); PubMed 18505755 (cited by 4 submitters); PubMed 27353086 (cited by 4 submitters); PubMed 30048712 (cited by 4 submitters); PubMed 34310159 (cited by Victorian Clinical Genetics Services, Murdoch Childrens Research Institute and Ambry Genetics); PubMed 16352453 (cited by Victorian Clinical Genetics Services, Murdoch Childrens Research Institute and Ambry Genetics); PubMed 39260623 (cited by Victorian Clinical Genetics Services, Murdoch Childrens Research Institute); PubMed 37929589 (cited by Victorian Clinical Genetics Services, Murdoch Childrens Research Institute); PubMed 37818629 (cited by Victorian Clinical Genetics Services, Murdoch Childrens Research Institute); PubMed 19035361 (cited by Victorian Clinical Genetics Services, Murdoch Childrens Research Institute); PubMed 27532257 (cited by 3 submitters); PubMed 33035702 (cited by Victorian Clinical Genetics Services, Murdoch Childrens Research Institute); PubMed 22429680 (cited by Victorian Clinical Genetics Services, Murdoch Childrens Research Institute and Ambry Genetics); PubMed 25351510 (cited by Ambry Genetics); PubMed 31513939 (cited by Ambry Genetics and AiLife Diagnostics); PubMed 33662488 (cited by Ambry Genetics); PubMed 35241752 (cited by Ambry Genetics); PubMed 38891079 (cited by Ambry Genetics); PubMed 30012424 (cited by AiLife Diagnostics).